The following is an entry in ClinVar:

NM_001276270.2(MBD4):c.891T>G (p.Gly297=)

Gene: MBD4 (methyl-CpG binding domain 4, DNA glycosylase; minus strand). Cytogenetic location: 3q21.3.
Variant type: single nucleotide variant.
Coding change: c.891T>G on transcript NM_001276270.2 (MANE Select); coding-DNA position 891, T replaced by G.
Protein change: p.Gly297=; no amino-acid change (glycine 297 retained).
Molecular consequence: synonymous variant. On other transcripts: intron variant (1).
Genome position (GRCh38, 1-based): chr3:129,436,753, A>C on the plus strand (T>G on the coding strand, the complement: MBD4 is on the minus strand). VCF-style: chr3-129436753-A-C. GRCh37 (hg19) VCF-style: chr3-129155596-A-C.
Other names: c.891T>G, p.Gly297= (NM_001276271.2, NM_001276272.2, NM_003925.3); c.247+1055T>G (NM_001276273.2).
Identifiers: ClinVar variation 3870866 (VCV003870866.2).
Genomic context (GRCh38, chr3:129,436,753, plus strand): 5'-CAATGATCTTTCTTTTTTTTTTACAAGGCTGTTTTCTTCACTGGTCACACTGAGGGTCTC[A>C]CCACATGCTCCAGCATCAGAAATGCAGACAGTTCTATCAAGCTGACTTTTTTGTGCAACA-3'
Protein context (NP_001263199.1, residues 287-307): TVCISDAGAC[Gly297=]ETLSVTSEEN

ClinVar aggregate classification (germline): Benign/Likely benign. Review status: criteria provided, multiple submitters, no conflicts (2 of 4 stars). 2 submissions from 2 submitters: Benign (1); Likely benign (1). Last evaluated 2026-06-10.

Conditions:
Inborn genetic diseases. Identifiers: MedGen C0950123, MeSH D030342.
Tumor predisposition syndrome 2 (TPDS2). Also called: MBD4-Related Tumor Predisposition Syndrome; MBD4-associated neoplasia syndrome (MANS); MBD4-ASSOCIATED NEOPLASIA SYNDROME. Identifiers: Orphanet 661526, MedGen C5774186, MONDO:0859267, OMIM 619975.

Submissions (2):

Myriad Genetics, Inc.
Classification: Benign for Tumor predisposition syndrome 2. Last evaluated: 2026-06-10. Review status: criteria provided, single submitter. Criteria: Myriad Autosomal Dominant, Autosomal Recessive and X-Linked Classification Criteria (2023). Collection method: clinical testing. Allele origin: unknown.
Comment: This variant is considered benign. This variant is a silent/synonymous amino acid change and it is not expected to impact splicing.

Ambry Genetics
Classification: Likely benign for Inborn genetic diseases. Last evaluated: 2024-12-20. Review status: criteria provided, single submitter. Criteria: Ambry Variant Classification Scheme 2023. Collection method: clinical testing. Allele origin: germline.